The following is an entry in ClinVar:

NM_013338.5(ALG5):c.208G>A (p.Val70Ile)

Gene: ALG5 (ALG5 dolichyl-phosphate beta-glucosyltransferase; minus strand). Cytogenetic location: 13q13.3.
Variant type: single nucleotide variant.
Coding change: c.208G>A on transcript NM_013338.5 (MANE Select); coding-DNA position 208, G replaced by A.
Protein change: p.Val70Ile; replaces valine 70 with isoleucine.
Molecular consequence: missense variant.
Genome position (GRCh38, 1-based): chr13:36,995,455, C>T on the plus strand (G>A on the coding strand, the complement: ALG5 is on the minus strand). VCF-style: chr13-36995455-C-T. GRCh37 (hg19) VCF-style: chr13-37569592-C-T.
Other names: c.208G>A, p.Val70Ile (NM_001142364.1); short protein forms V70I.
Identifiers: ClinVar variation 3054996 (VCV003054996.3), dbSNP rs142909336, ClinGen allele CA6950913.

ClinVar aggregate classification (germline): Uncertain significance. Review status: criteria provided, single submitter (1 of 4 stars). 2 submissions from 2 submitters: Uncertain significance (1). 1 of the submissions does not count toward it. Last evaluated 2024-04-17.

Conditions:
ALG5-related disorder. Also called: ALG5-related condition.

Allele frequency attached by ClinVar (database versions not stated): gnomAD exomes 0.00007; ExAC 0.00012; 1000 Genomes Project 30x 0.00016; 1000 Genomes Project 0.00020; ESP Exome Variant Server 0.00031; TOPMed 0.00035; gnomAD 0.00036.
gnomAD v4.1: 166 of 1,612,812 alleles (0.01%); highest among the groups gnomAD compares: African/African-American, 0.13%; no homozygotes.

Submissions (2):

Ambry Genetics
Classification: Uncertain significance. Last evaluated: 2024-04-17. Review status: criteria provided, single submitter. Criteria: Ambry Variant Classification Scheme 2023. Collection method: clinical testing. Allele origin: germline.

PreventionGenetics, part of Exact Sciences
Classification: Likely benign for ALG5-related condition. Last evaluated: 2023-09-28. Review status: no assertion criteria provided. Collection method: clinical testing. Allele origin: germline. Not counted in ClinVar's aggregate classification.
Comment: This variant is classified as likely benign based on ACMG/AMP sequence variant interpretation guidelines (Richards et al. 2015 PMID: 25741868, with internal and published modifications).